The following is an entry in ClinVar:

NM_001077653.2(TBX20):c.1334C>T (p.Pro445Leu)

Gene: TBX20 (T-box transcription factor 20; minus strand). Cytogenetic location: 7p14.2.
Variant type: single nucleotide variant.
Coding change: c.1334C>T on transcript NM_001077653.2 (MANE Select); coding-DNA position 1334, C replaced by T.
Protein change: p.Pro445Leu; replaces proline 445 with leucine.
Molecular consequence: missense variant.
Genome position (GRCh38, 1-based): chr7:35,202,440, G>A on the plus strand (C>T on the coding strand, the complement: TBX20 is on the minus strand). VCF-style: chr7-35202440-G-A. GRCh37 (hg19) VCF-style: chr7-35242052-G-A.
Other names: short protein forms P445L.
Identifiers: ClinVar variation 2450715 (VCV002450715.3), dbSNP rs2546980816, ClinGen allele CA367262721.
Genomic context (GRCh38, chr7:35,202,440, plus strand): 5'-CCATACCCACTTGCACATTCTGGATCTGGATTCTCCCATTTTTAGAAGAGTCATACAAAT[G>A]GCGTCATCACAGCAGAGGAATGGCGTAGTCCTTGAATGGCAGCATAGGGCCCCTGCTGAA-3'
Protein context (NP_001071121.1, residues 435-447): GLRHSSAVMT[Pro445Leu]FV

ClinVar aggregate classification (germline): Uncertain significance. Review status: criteria provided, multiple submitters, no conflicts (2 of 4 stars). 2 submissions from 2 submitters: Uncertain significance (2). Last evaluated 2023-08-15.

Conditions:
Cardiovascular phenotype. Identifiers: MedGen CN230736.
TBX20-related disorder. Also called: TBX20-related condition.

Submissions (2):

PreventionGenetics, part of Exact Sciences
Classification: Uncertain significance for TBX20-related condition. Last evaluated: 2023-08-15. Review status: criteria provided, single submitter. Criteria: ACMG Guidelines, 2015. Collection method: clinical testing. Allele origin: germline.
Comment: The TBX20 c.1334C>T variant is predicted to result in the amino acid substitution p.Pro445Leu. To our knowledge, this variant has not been reported in the literature or in a large population database, indicating this variant is rare. At this time, the clinical significance of this variant is uncertain due to the absence of conclusive functional and genetic evidence.

Ambry Genetics
Classification: Uncertain significance for Cardiovascular phenotype. Last evaluated: 2023-02-15. Review status: criteria provided, single submitter. Criteria: Ambry Variant Classification Scheme 2023. Collection method: clinical testing. Allele origin: germline.
Comment: The p.P445L variant (also known as c.1334C>T), located in coding exon 8 of the TBX20 gene, results from a C to T substitution at nucleotide position 1334. The proline at codon 445 is replaced by leucine, an amino acid with similar properties. This amino acid position is conserved. In addition, this alteration is predicted to be deleterious by in silico analysis. Since supporting evidence is limited at this time, the clinical significance of this alteration remains unclear.